The following is an entry in ClinVar:

ClinVar aggregate classification (germline): Benign (0 of 4 stars; one submission).

Conditions:
ATXN3-related disorder. Also called: ATXN3-related condition.

Allele frequency attached by ClinVar (database versions not stated): gnomAD 0.01864; ExAC 0.02715; 1000 Genomes Project 30x 0.03763.

Submission:

PreventionGenetics, part of Exact Sciences
Classification: Benign for ATXN3-related condition. Last evaluated: 2019-11-25. Review status: no assertion criteria provided. Collection method: clinical testing. Allele origin: germline.
Comment: This variant is classified as benign based on ACMG/AMP sequence variant interpretation guidelines (Richards et al. 2015 PMID: 25741868, with internal and published modifications).

NM_004993.6(ATXN3):c.891_892insG (p.Gln298fs)

Genes: ATXN3 (ataxin 3; minus strand), LOC108663987 (ataxin 3 repeat instability region; plus strand). Cytogenetic location: 14q32.12.
Variant type: Insertion.
Coding change: c.891_892insG on transcript NM_004993.6 (MANE Select); coding-DNA positions 891 to 892, G inserted.
Protein change: p.Gln298fs; shifts the reading frame from glutamine 298.
Molecular consequence: frameshift variant. On other transcripts: non-coding transcript variant (21).
Genome position: GRCh38 VCF-style: chr14-92071034-G-GC. GRCh37 (hg19) VCF-style: chr14-92537378-G-GC.
Other names: c.846_847insG, p.Gln283fs (NM_001127696.2); c.738_739insG, p.Gln247fs (NM_001127697.3); c.208_209insG, p.Thr70fs (NM_001164774.2); c.168_169insG, p.Gln57Alafs (NM_001164775.1); c.253_254insG, p.Thr85fs (NM_001164776.2); c.88_89insG, p.Thr30fs (NM_001164777.2); c.406_407insG, p.Thr136fs (NM_001164778.2); c.528_529insG, p.Gln177fs (NM_001164779.2); and 5 more; short protein forms Q119fs, Q177fs, Q228fs, Q243fs, Q247fs, Q283fs, Q298fs, T136fs.
Identifiers: ClinVar variation 3037422 (VCV003037422.2), dbSNP rs775879957, ClinGen allele CA7314438.